The following is an entry in ClinVar:

NM_000268.4(NF2):c.955C>G (p.Gln319Glu)

Gene: NF2 (NF2, moesin-ezrin-radixin like (MERLIN) tumor suppressor; plus strand). Cytogenetic location: 22q12.2.
Variant type: single nucleotide variant.
Coding change: c.955C>G on transcript NM_000268.4 (MANE Select); coding-DNA position 955, C replaced by G.
Protein change: p.Gln319Glu; replaces glutamine 319 with glutamic acid.
Molecular consequence: missense variant. On other transcripts: non-coding transcript variant (1), intron variant (1).
Genome position (GRCh38, 1-based): chr22:29,668,402, C>G. VCF-style: chr22-29668402-C-G. GRCh37 (hg19) VCF-style: chr22-30064391-C-G.
Other names: c.841C>G, p.Gln281Glu (NM_001407053.1, NM_001407056.1); c.832C>G, p.Gln278Glu (NM_001407054.1, NM_001407058.1, NM_181829.3); c.829C>G, p.Gln277Glu (NM_001407055.1, NM_181828.3); c.820C>G, p.Gln274Glu (NM_001407057.1, NM_001407059.1); c.955C>G, p.Gln319Glu (NM_001407060.1, NM_001407066.1, NM_016418.5 and 2 more transcripts); c.697C>G, p.Gln233Glu (NM_001407062.1); c.706C>G, p.Gln236Glu (NM_001407063.1, NM_001407064.1, NM_181830.3 and 1 more transcripts); c.421C>G, p.Gln141Glu (NM_001407065.1); and 2 more; short protein forms Q141E, Q274E, Q278E, Q233E, Q281E, Q242E, Q277E, Q319E.
Identifiers: ClinVar variation 5025723 (VCV005025723.1).
Genomic context (GRCh38, chr22:29,668,402, plus strand): 5'-CTATGTATCGGGAACCATGATCTATTTATGAGGAGAAGGAAAGCCGATTCTTTGGAAGTT[C>G]AGCAGATGAAAGCCCAGGCCAGGGAGGAGAAGGCTAGAAAGCAGGTGAGCACAACCTTGT-3'
Protein context (NP_000259.1, residues 309-329): RRRKADSLEV[Gln319Glu]QMKAQAREEK

ClinVar aggregate classification (germline): Uncertain significance (1 of 4 stars; one submission).

Conditions:
Hereditary cancer-predisposing syndrome. Also called: Neoplastic Syndromes, Hereditary; Tumor predisposition; Hereditary neoplastic syndrome; Hereditary Cancer Syndrome. Identifiers: Orphanet 140162, MedGen C0027672, MeSH D009386, MONDO:0015356.

Submission:

Ambry Genetics
Classification: Uncertain significance for Hereditary cancer-predisposing syndrome. Last evaluated: 2026-09-06. Review status: criteria provided, single submitter. Criteria: Ambry Variant Classification Scheme 2023. Collection method: clinical testing. Allele origin: germline.
Comment: The p.Q319E variant (also known as c.955C>G), located in coding exon 10 of the NF2 gene, results from a C to G substitution at nucleotide position 955. The glutamine at codon 319 is replaced by glutamic acid, an amino acid with highly similar properties. This amino acid position is conserved. In addition, this alteration is predicted to be deleterious by in silico analysis. Based on the available evidence, the clinical significance of this variant remains unclear.